The following is an entry in ClinVar:

NM_002334.4(LRP4):c.2534C>T (p.Thr845Ile)

Gene: LRP4 (LDL receptor related protein 4; minus strand). Cytogenetic location: 11p11.2.
Variant type: single nucleotide variant.
Coding change: c.2534C>T on transcript NM_002334.4 (MANE Select); coding-DNA position 2534, C replaced by T.
Protein change: p.Thr845Ile; replaces threonine 845 with isoleucine.
Molecular consequence: missense variant.
Genome position (GRCh38, 1-based): chr11:46,883,949, G>A on the plus strand (C>T on the coding strand, the complement: LRP4 is on the minus strand). VCF-style: chr11-46883949-G-A. GRCh37 (hg19) VCF-style: chr11-46905500-G-A.
Other names: short protein forms T845I.
Identifiers: ClinVar variation 2015459 (VCV002015459.4), dbSNP rs768401396, ClinGen allele CA5969865.
Genomic context (GRCh38, chr11:46,883,949, plus strand): 5'-ACGATGTCCCGAGGACGATCAAGGTTCTCCCAGATGAGTACTGTTCTCATGCTGCCATCT[G>A]TGTTGGCTACTTCAATCCGGTCTGTACCTATCAAGAAGGGATACAGAGATTAATTCTAGT-3'
Protein context (NP_002325.2, residues 835-855): AGTDRIEVAN[Thr845Ile]DGSMRTVLIW

ClinVar aggregate classification (germline): Uncertain significance (1 of 4 stars; one submission).

Conditions:
Cenani-Lenz syndactyly syndrome. Also called: SYNDACTYLY, TYPE VII; CENANI SYNDACTYLISM. Identifiers: Orphanet 3258, MedGen C1859309, MONDO:0008931, OMIM 212780.
Congenital myasthenic syndrome 17. Identifiers: Orphanet 590, MedGen C4225377, MONDO:0014578, OMIM 616304.
Sclerosteosis 2 (SOST2). Identifiers: Orphanet 3152, MedGen C3280402, MONDO:0013679, OMIM 614305.

Allele frequency attached by ClinVar (database versions not stated): gnomAD exomes below 0.00001; ExAC 0.00001.
gnomAD v4.1: 1 of 1,614,070 alleles (0.000062%); highest among the groups gnomAD compares: Non-Finnish European, 0.000085%; no homozygotes.

Submission:

Labcorp Genetics (formerly Invitae), Labcorp
Classification: Uncertain significance for Cenani-Lenz syndactyly syndrome; Sclerosteosis 2; Congenital myasthenic syndrome 17. Last evaluated: 2022-07-09. Review status: criteria provided, single submitter. Criteria: Invitae Variant Classification Sherloc (09022015). Collection method: clinical testing. Allele origin: germline.
Comment: This sequence change replaces threonine, which is neutral and polar, with isoleucine, which is neutral and non-polar, at codon 845 of the LRP4 protein (p.Thr845Ile). This variant is present in population databases (rs768401396, gnomAD 0.0009%). This variant has not been reported in the literature in individuals affected with LRP4-related conditions. Algorithms developed to predict the effect of missense changes on protein structure and function are either unavailable or do not agree on the potential impact of this missense change (SIFT: "Deleterious"; PolyPhen-2: "Benign"; Align-GVGD: "Class C15"). In summary, the available evidence is currently insufficient to determine the role of this variant in disease. Therefore, it has been classified as a Variant of Uncertain Significance.